The following is an entry in ClinVar:

ClinVar aggregate classification (germline): Uncertain significance (1 of 4 stars; one submission).

Conditions:
Hereditary cancer-predisposing syndrome. Also called: Tumor predisposition; Neoplastic Syndromes, Hereditary; Hereditary Cancer Syndrome; Hereditary neoplastic syndrome. Identifiers: Orphanet 140162, MedGen C0027672, MeSH D009386, MONDO:0015356.

Submission:

Ambry Genetics
Classification: Uncertain significance for Hereditary cancer-predisposing syndrome. Last evaluated: 2025-03-05. Review status: criteria provided, single submitter. Criteria: Ambry Variant Classification Scheme 2023. Collection method: clinical testing. Allele origin: germline.
Comment: The p.I742T variant (also known as c.2225T>C), located in coding exon 15 of the APC gene, results from a T to C substitution at nucleotide position 2225. The isoleucine at codon 742 is replaced by threonine, an amino acid with similar properties. This amino acid position is conserved. In addition, in silico predictors for this gene do not accurately predict pathogenicity. Based on the available evidence, the clinical significance of this variant remains unclear.

NM_000038.6(APC):c.2225T>C (p.Ile742Thr)

Gene: APC (APC regulator of Wnt signaling pathway; plus strand). Cytogenetic location: 5q22.2.
Variant type: single nucleotide variant.
Coding change: c.2225T>C on transcript NM_000038.6 (MANE Select); coding-DNA position 2225, T replaced by C.
Protein change: p.Ile742Thr; replaces isoleucine 742 with threonine.
Molecular consequence: missense variant. On other transcripts: non-coding transcript variant (2).
Genome position (GRCh38, 1-based): chr5:112,837,819, T>C. VCF-style: chr5-112837819-T-C. GRCh37 (hg19) VCF-style: chr5-112173516-T-C.
Other names: c.2225T>C, p.Ile742Thr (NM_001127510.3, NM_001354895.2, NM_001407450.1); c.2171T>C, p.Ile724Thr (NM_001127511.3); c.2279T>C, p.Ile760Thr (NM_001354896.2, NM_001407447.1, NM_001407448.1 and 1 more transcripts); c.2255T>C, p.Ile752Thr (NM_001354897.2); c.2150T>C, p.Ile717Thr (NM_001354898.2); c.2141T>C, p.Ile714Thr (NM_001354899.2); c.2102T>C, p.Ile701Thr (NM_001354900.2); c.2048T>C, p.Ile683Thr (NM_001354901.2, NM_001407453.1); and 11 more; short protein forms I358T, I459T, I616T, I641T, I651T, I683T, I742T, I752T.
Identifiers: ClinVar variation 3882705 (VCV003882705.1).
Genomic context (GRCh38, chr5:112,837,819, plus strand): 5'-GTGCTGCAGCTTTAAGGAATCTCATGGCAAATAGGCCTGCGAAGTACAAGGATGCCAATA[T>C]TATGTCTCCTGGCTCAAGCTTGCCATCTCTTCATGTTAGGAAACAAAAAGCCCTAGAAGC-3'
Protein context (NP_000029.2, residues 732-752): NRPAKYKDAN[Ile742Thr]MSPGSSLPSL